The following is an entry in ClinVar:

ClinVar aggregate classification (germline): Uncertain significance (1 of 4 stars; one submission).

Conditions:
Combined immunodeficiency due to ZAP70 deficiency (IMD48). Also called: ZAP70 Deficiency; Immunodeficiency 48. Identifiers: Orphanet 911, MedGen C2931299, MONDO:0010023, OMIM 269840.

Submission:

Labcorp Genetics (formerly Invitae), Labcorp
Classification: Uncertain significance for Combined immunodeficiency due to ZAP70 deficiency. Last evaluated: 2022-02-04. Review status: criteria provided, single submitter. Criteria: Invitae Variant Classification Sherloc (09022015). Collection method: clinical testing. Allele origin: germline.
Comment: This variant has not been reported in the literature in individuals affected with ZAP70-related conditions. This variant is not present in population databases (gnomAD no frequency). This sequence change replaces phenylalanine, which is neutral and non-polar, with serine, which is neutral and polar, at codon 457 of the ZAP70 protein (p.Phe457Ser). Algorithms developed to predict the effect of missense changes on protein structure and function are either unavailable or do not agree on the potential impact of this missense change (SIFT: "Not Available"; PolyPhen-2: "Probably Damaging"; Align-GVGD: "Not Available"). In summary, the available evidence is currently insufficient to determine the role of this variant in disease. Therefore, it has been classified as a Variant of Uncertain Significance.

NM_001079.4(ZAP70):c.1370T>C (p.Phe457Ser)

Gene: ZAP70 (zeta chain of T cell receptor associated protein kinase 70; plus strand). Cytogenetic location: 2q11.2.
Variant type: single nucleotide variant.
Coding change: c.1370T>C on transcript NM_001079.4 (MANE Select); coding-DNA position 1370, T replaced by C.
Protein change: p.Phe457Ser; replaces phenylalanine 457 with serine.
Molecular consequence: missense variant.
Genome position (GRCh38, 1-based): chr2:97,737,553, T>C. VCF-style: chr2-97737553-T-C. GRCh37 (hg19) VCF-style: chr2-98354016-T-C.
Other names: c.1370T>C, p.Phe457Ser (NM_001378594.1); c.449T>C, p.Phe150Ser (NM_207519.2); short protein forms F457S, F150S.
Identifiers: ClinVar variation 2092840 (VCV002092840.4), dbSNP rs1344287196, ClinGen allele CA347803419.